The following is an entry in ClinVar:

NM_022124.6(CDH23):c.9381-105C>T

Gene: CDH23 (cadherin related 23; plus strand). Cytogenetic location: 10q22.1.
Variant type: single nucleotide variant.
Coding change: c.9381-105C>T on transcript NM_022124.6 (MANE Select); 105 bases into the intron before coding-DNA position 9381, C replaced by T.
Molecular consequence: intron variant.
Genome position (GRCh38, 1-based): chr10:71,812,375, C>T. VCF-style: chr10-71812375-C-T. GRCh37 (hg19) VCF-style: chr10-73572132-C-T.
Other names: c.2661-105C>T (NM_001171933.1, NM_001171934.1); c.71+13C>T (NM_001171935.1, NM_001171936.1).
Identifiers: ClinVar variation 1705553 (VCV001705553.1), dbSNP rs2494458164, ClinGen allele CA2580081920.

ClinVar aggregate classification (germline): Uncertain significance (1 of 4 stars; one submission).

Conditions:
Autosomal recessive nonsyndromic hearing loss 12. Also called: DEAFNESS, AUTOSOMAL RECESSIVE 12. Identifiers: Orphanet 90636, MedGen C1832394, MONDO:0011067, OMIM 601386.

Submission:

3billion
Classification: Uncertain significance for Autosomal recessive nonsyndromic hearing loss 12. Last evaluated: 2022-09-01. Review status: criteria provided, single submitter. Criteria: ACMG Guidelines, 2015. Collection method: clinical testing. Allele origin: germline. Affected: yes. Observed: 1 homozygote.
Comment: The variant is not observed in the gnomAD v2.1.1 dataset. In silico tools predict the variant to alter splicing and produce an abnormal transcript (SpliceAI: 0.98). Therefore, this variant is classified as uncertain significance according to the recommendation of ACMG/AMP guideline.